The following is an entry in ClinVar:

ClinVar aggregate classification (germline): Uncertain significance. Review status: criteria provided, multiple submitters, no conflicts (2 of 4 stars). 15 submissions from 15 submitters: Uncertain significance (12). 3 of the submissions do not count toward it. Last evaluated 2026-05-29.

Conditions:
Optic atrophy 9 (OPA9). Identifiers: MedGen C4225384, MONDO:0014571, OMIM 616289.
Infantile cerebellar-retinal degeneration (ICRD). Identifiers: Orphanet 313850, MedGen C3281192, MONDO:0013802, OMIM 614559.
ACO2-related disorder. Also called: ACO2-Related Disorders.
Inborn genetic diseases. Identifiers: MedGen C0950123, MeSH D030342.
Retinal dystrophy. Also called: Inherited retinal dystrophy. Identifiers: Orphanet 71862, MedGen C0854723, MeSH D058499, MONDO:0019118, HP:0000556.
Mitochondrial disease. Also called: Mitochondrial disorder; Mitochondrial disorders. Identifiers: Orphanet 68380, MedGen C0751651, MeSH D028361, MONDO:0044970.

Allele frequency attached by ClinVar (database versions not stated): 1000 Genomes Project 30x 0.00016; 1000 Genomes Project 0.00020; gnomAD 0.00064; ESP Exome Variant Server 0.00108; TOPMed 0.00148.
gnomAD v4.1: 1,340 of 1,614,112 alleles (0.083%); highest among the groups gnomAD compares: Non-Finnish European, 0.1%; 2 homozygotes.

Submissions (15):

PreventionGenetics, part of Exact Sciences
Classification: Uncertain significance for ACO2-related condition. Last evaluated: 2026-05-29. Review status: criteria provided, single submitter. Criteria: ACMG Guidelines, 2015. Collection method: clinical testing. Allele origin: germline.
Comment: The ACO2 c.719G>C variant is predicted to result in the amino acid substitution p.Gly240Ala. This variant has been reported with an additional ACO2 variant in individuals with optic atrophy (Table S1, Charif et al. 2021. PubMed ID: 34056600; Petrovic Pajic et al. 2022. PubMed ID: 36294366). This variant has alsao been reported in the homozygous state in an individual with cerebellar ataxia (Marelli et al. 2016. PubMed ID: 27528516). This variant is reported in 0.12% of alleles in individuals of European (non-Finnish) descent in gnomAD. However, in gnomAD v4 (available only on GRCh38), this variant is reported in 3.9% of alleles in a subpopulation, including 2 homozygotes. This population data is not consistent with this variant being a primary cause of disease. This variant is consistently classified as uncertain by several submitters to the ClinVar database (Variation ID: 214018). Although we suspect this variant is benign, at this time, the clinical significance of this variant is uncertain due to the absence of conclusive functional and genetic evidence.

Labcorp Genetics (formerly Invitae), Labcorp
Classification: Uncertain significance. Last evaluated: 2026-01-11. Review status: criteria provided, single submitter. Criteria: Invitae Variant Classification Sherloc (09022015). Collection method: clinical testing. Allele origin: germline.
Comment: This sequence change replaces glycine, which is neutral and non-polar, with alanine, which is neutral and non-polar, at codon 240 of the ACO2 protein (p.Gly240Ala). This variant is present in population databases (rs141878785, gnomAD 0.1%), and has an allele count higher than expected for a pathogenic variant. This missense change has been observed in individual(s) with optic atrophy (PMID: 34056600). ClinVar contains an entry for this variant (Variation ID: 214018). Invitae Evidence Modeling of protein sequence and biophysical properties (such as structural, functional, and spatial information, amino acid conservation, physicochemical variation, residue mobility, and thermodynamic stability) indicates that this missense variant is not expected to disrupt ACO2 protein function with a negative predictive value of 80%. In summary, the available evidence is currently insufficient to determine the role of this variant in disease. Therefore, it has been classified as a Variant of Uncertain Significance.

Mayo Clinic Laboratories, Mayo Clinic
Classification: Uncertain significance. Last evaluated: 2025-05-15. Review status: criteria provided, single submitter. Criteria: ACMG Guidelines, 2015. Collection method: clinical testing. Allele origin: germline. Observed: 3 variant alleles.
Comment: BS1, PP3

Blueprint Genetics
Classification: Uncertain significance. Last evaluated: 2024-09-25. Review status: criteria provided, single submitter. Criteria: ACMG Guidelines, 2015. Collection method: clinical testing. Allele origin: germline.

Ambry Genetics
Classification: Uncertain significance for Inborn genetic diseases. Last evaluated: 2024-09-23. Review status: criteria provided, single submitter. Criteria: Ambry Variant Classification Scheme 2023. Collection method: clinical testing. Allele origin: germline.
Comment: The c.719G>C (p.G240A) alteration is located in exon 6 (coding exon 6) of the ACO2 gene. This alteration results from a G to C substitution at nucleotide position 719, causing the glycine (G) at amino acid position 240 to be replaced by an alanine (A). The in silico prediction for the p.G240A alteration is inconclusive. Based on insufficient or conflicting evidence, the clinical significance of this alteration remains unclear.

Fulgent Genetics
Classification: Uncertain significance for Infantile cerebellar-retinal degeneration; Optic atrophy 9. Last evaluated: 2024-01-03. Review status: criteria provided, single submitter. Criteria: ACMG Guidelines, 2015. Collection method: clinical testing. Allele origin: germline.

CeGaT Center for Human Genetics Tuebingen
Classification: Uncertain significance. Last evaluated: 2023-09-01. Review status: criteria provided, single submitter. Criteria: CeGaT Center For Human Genetics Tuebingen Variant Classification Criteria Version 2. Collection method: clinical testing. Allele origin: germline. Affected: yes. Observed: 2 variant alleles.
Comment: ACO2: PM2, PM3:Supporting, PM5:Supporting, PP3

GeneDx
Classification: Uncertain significance. Last evaluated: 2023-01-30. Review status: criteria provided, single submitter. Criteria: GeneDx Variant Classification Process June 2021. Collection method: clinical testing. Allele origin: germline. Affected: yes.
Comment: Reported as a homozygous variant of uncertain significance in an individual with complex ataxia, pyramidal syndrome, and cerebellar atrophy; this individual did not have optic atrophy or retinal degeneration and had normal mitochondrial aconitase activity in fibroblasts (Marelli et al., 2016); In silico analysis supports that this missense variant has a deleterious effect on protein structure/function; This variant is associated with the following publications: (PMID: 34056600, 32483926, 27528516, 30552426, 34354088, 32519519, 36294366)

Institute of Human Genetics, Univ. Regensburg, Univ. Regensburg
Classification: Uncertain significance for Retinal dystrophy. Last evaluated: 2023-01-01. Review status: criteria provided, single submitter. Criteria: ACMG Guidelines, 2015. Collection method: clinical testing. Allele origin: germline. Affected: yes.

Department of Pathology and Laboratory Medicine, Sinai Health System
Classification: Uncertain significance for mitochondrial disease. Last evaluated: 2022-08-16. Review status: criteria provided, single submitter. Criteria: ACMG Guidelines, 2015. Collection method: research. Allele origin: germline.

Centre for Mendelian Genomics, University Medical Centre Ljubljana
Classification: Uncertain significance for Optic atrophy 9. Last evaluated: 2018-12-17. Review status: criteria provided, single submitter. Criteria: ACMG Guidelines, 2015. Collection method: clinical testing. Allele origin: unknown. Affected: yes.
Comment: This variant was classified as: Uncertain significance. The available evidence favors the pathogenic nature of this variant, however the currently available data is insufficient to conclusively support its pathogenic nature. Thus this variant is classified as Uncertain significance - favor pathogenic. The following ACMG criteria were applied in classifying this variant: PP2,PP3.

Baylor Genetics
Classification: Uncertain significance for Infantile cerebellar-retinal degeneration. Last evaluated: 2018-09-28. Review status: criteria provided, single submitter. Criteria: ACMG Guidelines, 2015. Collection method: clinical testing. Allele origin: unknown. Affected: yes.
Comment: This variant was determined to be of uncertain significance according to ACMG Guidelines, 2015 [PMID:25741868].

Clinical Genetics DNA and cytogenetics Diagnostics Lab, Erasmus MC, Erasmus Medical Center
Classification: Uncertain significance. Review status: no assertion criteria provided. Collection method: clinical testing. Allele origin: germline. Affected: yes. Study: VKGL Data-share Consensus. Not counted in ClinVar's aggregate classification.

Diagnostic Laboratory, Department of Genetics, University Medical Center Groningen
Classification: Uncertain significance. Review status: no assertion criteria provided. Collection method: clinical testing. Allele origin: germline. Affected: yes. Study: VKGL Data-share Consensus. Not counted in ClinVar's aggregate classification.

Joint Genome Diagnostic Labs from Nijmegen and Maastricht, Radboudumc and MUMC+
Classification: Uncertain significance. Review status: no assertion criteria provided. Collection method: clinical testing. Allele origin: germline. Affected: yes. Study: VKGL Data-share Consensus. Not counted in ClinVar's aggregate classification.

Literature cited by the submitters: PubMed 34056600 (cited by 4 submitters); PubMed 27528516 (cited by Mayo Clinic Laboratories, Mayo Clinic and Ambry Genetics); PubMed 32483926 (cited by Mayo Clinic Laboratories, Mayo Clinic and Ambry Genetics); PubMed 34354088 (cited by Mayo Clinic Laboratories, Mayo Clinic); PubMed 36294366 (cited by Mayo Clinic Laboratories, Mayo Clinic and Ambry Genetics); PubMed 3248392 (cited by Institute of Human Genetics, Univ. Regensburg, Univ. Regensburg).

NM_001098.3(ACO2):c.719G>C (p.Gly240Ala)

Gene: ACO2 (aconitase 2; plus strand). Cytogenetic location: 22q13.2.
Variant type: single nucleotide variant.
Coding change: c.719G>C on transcript NM_001098.3 (MANE Select); coding-DNA position 719, G replaced by C.
Protein change: p.Gly240Ala; replaces glycine 240 with alanine.
Molecular consequence: missense variant.
Genome position (GRCh38, 1-based): chr22:41,515,801, G>C. VCF-style: chr22-41515801-G-C. GRCh37 (hg19) VCF-style: chr22-41911805-G-C.
Other names: p.G240A:GGT>GCT; p.Gly240Ala; short protein forms G240A.
Identifiers: ClinVar variation 214018 (VCV000214018.59), dbSNP rs141878785, ClinGen allele CA321374.